The following is an entry in ClinVar:

NM_001385012.1(NBEA):c.2243+5G>A

Gene: NBEA (neurobeachin; plus strand). Cytogenetic location: 13q13.3.
Variant type: single nucleotide variant.
Coding change: c.2243+5G>A on transcript NM_001385012.1 (MANE Select); 5 bases into the intron after coding-DNA position 2243, G replaced by A.
Molecular consequence: intron variant.
Genome position (GRCh38, 1-based): chr13:35,118,479, G>A. VCF-style: chr13-35118479-G-A. GRCh37 (hg19) VCF-style: chr13-35692616-G-A.
Other names: c.2243+5G>A (NM_015678.5, NM_001379245.1).
Identifiers: ClinVar variation 3600771 (VCV003600771.1).
Genomic context (GRCh38, chr13:35,118,479, plus strand): 5'-ATGTCGGAACACCCAGCCTCAATGATACCAGCATTTGATCAAAGAAATGGAATAAGGTAT[G>A]ATTATAATATTAGTATTACTATTAGACTTTAATGGAGCACAGTTGTTCCTCCTAGAATAA-3'

ClinVar aggregate classification (germline): Uncertain significance (1 of 4 stars; one submission).

Submission:

GeneDx
Classification: Uncertain significance. Last evaluated: 2024-07-22. Review status: criteria provided, single submitter. Criteria: GeneDx Variant Classification Process June 2021. Collection method: clinical testing. Allele origin: germline. Affected: yes.
Comment: Not observed at significant frequency in large population cohorts (gnomAD); In silico analysis indicates that this variant does not alter splicing; Has not been previously published as pathogenic or benign to our knowledge